The following is an entry in ClinVar:

ClinVar aggregate classification (germline): Likely benign (0 of 4 stars; one submission).

Conditions:
COLGALT1-related disorder. Also called: COLGALT1-related condition.

Allele frequency attached by ClinVar (database versions not stated): gnomAD exomes below 0.00001; TOPMed below 0.00001; gnomAD 0.00001.
gnomAD v4.1: 4 of 1,603,624 alleles (0.00025%); highest among the groups gnomAD compares: Non-Finnish European, 0.00034%; no homozygotes.

Submission:

PreventionGenetics, part of Exact Sciences
Classification: Likely benign for COLGALT1-related condition. Last evaluated: 2022-03-09. Review status: no assertion criteria provided. Collection method: clinical testing. Allele origin: germline.
Comment: This variant is classified as likely benign based on ACMG/AMP sequence variant interpretation guidelines (Richards et al. 2015 PMID: 25741868, with internal and published modifications).

NM_024656.4(COLGALT1):c.*2G>T

Gene: COLGALT1 (collagen beta(1-O)galactosyltransferase 1; plus strand). Cytogenetic location: 19p13.11.
Variant type: single nucleotide variant.
Coding change: c.*2G>T on transcript NM_024656.4 (MANE Select); 2 bases downstream of the stop codon, G replaced by T.
Molecular consequence: 3 prime UTR variant.
Genome position (GRCh38, 1-based): chr19:17,581,446, G>T. VCF-style: chr19-17581446-G-T. GRCh37 (hg19) VCF-style: chr19-17692255-G-T.
Identifiers: ClinVar variation 3045665 (VCV003045665.2), dbSNP rs1277181597, ClinGen allele CA632056216.